The following is an entry in ClinVar:

ClinVar aggregate classification (germline): Uncertain significance (1 of 4 stars; one submission).

gnomAD v4.1: 3 of 1,613,898 alleles (0.00019%); highest among the groups gnomAD compares: Admixed American, 0.0017%; no homozygotes.

Submission:

Women's Health and Genetics/Laboratory Corporation of America, LabCorp
Classification: Uncertain significance. Last evaluated: 2026-03-23. Review status: criteria provided, single submitter. Criteria: LabCorp Variant Classification Summary - May 2015. Collection method: clinical testing. Allele origin: germline.
Comment: Variant summary: TTN c.95485G>C (p.Glu31829Gln) results in a conservative amino acid change in the encoded protein sequence. Algorithms developed to predict the effect of missense changes on protein structure and function are either unavailable or do not agree on the potential impact of this missense change. The variant allele was found at a frequency of 4e-06 in 248818 control chromosomes. The available data on variant occurrences in the general population are insufficient to allow any conclusion about variant significance. To our knowledge, no occurrence of c.95485G>C in individuals affected with TTN-related conditions and no experimental evidence demonstrating its impact on protein function have been reported. No submitters have cited clinical-significance assessments for this variant to ClinVar. Based on the evidence outlined above, the variant was classified as uncertain significance.

NM_001267550.2(TTN):c.103189G>C (p.Glu34397Gln)

Genes: TTN (titin; minus strand), TTN-AS1 (TTN antisense RNA 1; plus strand). Cytogenetic location: 2q31.2.
Variant type: single nucleotide variant.
Coding change: c.103189G>C on transcript NM_001267550.2 (MANE Select); coding-DNA position 103189, G replaced by C.
Protein change: p.Glu34397Gln; replaces glutamic acid 34397 with glutamine.
Molecular consequence: missense variant.
Genome position (GRCh38, 1-based): chr2:178,533,426, C>G on the plus strand (G>C on the coding strand, the complement: TTN is on the minus strand). VCF-style: chr2-178533426-C-G. GRCh37 (hg19) VCF-style: chr2-179398153-C-G.
Other names: c.98266G>C, p.Glu32756Gln (NM_001256850.1); c.75994G>C, p.Glu25332Gln (NM_003319.4); c.95485G>C, p.Glu31829Gln (NM_133378.4); c.76369G>C, p.Glu25457Gln (NM_133432.3); c.76570G>C, p.Glu25524Gln (NM_133437.4); short protein forms E25332Q, E25457Q, E25524Q, E31829Q, E32756Q, E34397Q.
Identifiers: ClinVar variation 4847047 (VCV004847047.1).
Genomic context (GRCh38, chr2:178,533,426, plus strand): 5'-CCAAGCCTTCATGGATAATTTCAATGTTAGGCCCGAGGGACAGTGGCTGACCATCTTTCT[C>G]CCATTTTAATGTTGGTGGGGGGATGCCAGACACTCTGATCTCAAAGCAGACACTTTGGCC-3'
Protein context (NP_001254479.2, residues 34387-34407): SGIPPPTLKW[Glu34397Gln]KDGQPLSLGP